The following is an entry in ClinVar:

NM_182961.4(SYNE1):c.10181A>T (p.Tyr3394Phe)

Gene: SYNE1 (spectrin repeat containing nuclear envelope protein 1; minus strand). Cytogenetic location: 6q25.2.
Variant type: single nucleotide variant.
Coding change: c.10181A>T on transcript NM_182961.4 (MANE Select); coding-DNA position 10181, A replaced by T.
Protein change: p.Tyr3394Phe; replaces tyrosine 3394 with phenylalanine.
Molecular consequence: missense variant.
Genome position (GRCh38, 1-based): chr6:152,362,288, T>A on the plus strand (A>T on the coding strand, the complement: SYNE1 is on the minus strand). VCF-style: chr6-152362288-T-A. GRCh37 (hg19) VCF-style: chr6-152683423-T-A.
Other names: c.10202A>T, p.Tyr3401Phe (NM_033071.5); short protein forms Y3394F, Y3401F.
Identifiers: ClinVar variation 641920 (VCV000641920.7), dbSNP rs754599705, ClinGen allele CA4057034.

ClinVar aggregate classification (germline): Uncertain significance. Review status: criteria provided, multiple submitters, no conflicts (2 of 4 stars). 2 submissions from 2 submitters: Uncertain significance (2). Last evaluated 2025-08-09.

Conditions:
Autosomal recessive ataxia, Beauce type. Also called: Spinocerebellar ataxia, autosomal recessive 8; ATAXIA, RECESSIVE, OF BEAUCE; SYNE1 Deficiency; SYNE1-Related Autosomal Recessive Cerebellar Ataxia. Identifiers: Orphanet 88644, MedGen C1853116, MONDO:0012549, OMIM 610743.
Emery-Dreifuss muscular dystrophy 4, autosomal dominant (EDMD4). Also called: EMERY-DREIFUSS MUSCULAR DYSTROPHY 4 WITH VARIABLE FEATURES. Identifiers: Orphanet 261, MedGen C2751807, MONDO:0013071, OMIM 612998.

Allele frequency attached by ClinVar (database versions not stated): TOPMed below 0.00001; ExAC 0.00002.
gnomAD v4.1: 6 of 1,614,246 alleles (0.00037%); highest among the groups gnomAD compares: Admixed American, 0.01%; no homozygotes.

Submissions (2):

GeneDx
Classification: Uncertain significance. Last evaluated: 2025-08-09. Review status: criteria provided, single submitter. Criteria: GeneDx Variant Classification Process June 2021. Collection method: clinical testing. Allele origin: germline. Affected: yes.
Comment: In silico analysis suggests that this missense variant does not alter protein structure/function; Has not been previously published as pathogenic or benign to our knowledge

Labcorp Genetics (formerly Invitae), Labcorp
Classification: Uncertain significance for Emery-Dreifuss muscular dystrophy 4, autosomal dominant; Autosomal recessive ataxia, Beauce type. Last evaluated: 2022-08-15. Review status: criteria provided, single submitter. Criteria: Invitae Variant Classification Sherloc (09022015). Collection method: clinical testing. Allele origin: germline.
Comment: This sequence change replaces tyrosine, which is neutral and polar, with phenylalanine, which is neutral and non-polar, at codon 3401 of the SYNE1 protein (p.Tyr3401Phe). This variant is present in population databases (rs754599705, gnomAD 0.02%). This variant has not been reported in the literature in individuals affected with SYNE1-related conditions. ClinVar contains an entry for this variant (Variation ID: 641920). Algorithms developed to predict the effect of missense changes on protein structure and function are either unavailable or do not agree on the potential impact of this missense change (SIFT: "Deleterious"; PolyPhen-2: "Possibly Damaging"; Align-GVGD: "Class C15"). In summary, the available evidence is currently insufficient to determine the role of this variant in disease. Therefore, it has been classified as a Variant of Uncertain Significance.